The following is an entry in ClinVar:

NM_000051.4(ATM):c.850C>T (p.Gln284Ter)

Gene: ATM (ATM serine/threonine kinase; plus strand). Cytogenetic location: 11q22.3.
Variant type: single nucleotide variant.
Coding change: c.850C>T on transcript NM_000051.4 (MANE Select); coding-DNA position 850, C replaced by T.
Protein change: p.Gln284Ter; replaces glutamine 284 with a stop codon.
Molecular consequence: nonsense.
Genome position (GRCh38, 1-based): chr11:108,244,975, C>T. VCF-style: chr11-108244975-C-T. GRCh37 (hg19) VCF-style: chr11-108115702-C-T.
Other names: c.850C>T, p.Gln284Ter (NM_001351834.2); short protein forms Q284*.
Identifiers: ClinVar variation 429069 (VCV000429069.20), dbSNP rs757782702, ClinGen allele CA6264685.

ClinVar aggregate classification (germline): Pathogenic/Likely pathogenic. Review status: criteria provided, multiple submitters, no conflicts (2 of 4 stars). 6 submissions from 6 submitters: Pathogenic (5); Likely pathogenic (1). Last evaluated 2025-09-10.

Conditions:
ATM-related disorder. Also called: ATM-related disorders; ATM-related condition.
Familial cancer of breast. Also called: BREAST CANCER, FAMILIAL; hereditary breast carcinoma; Hereditary breast cancer. Identifiers: Orphanet 227535, MedGen C0346153, MONDO:0016419, OMIM 114480. Disease mechanism: loss of function.
Hereditary cancer-predisposing syndrome. Also called: Neoplastic Syndromes, Hereditary; Tumor predisposition; Hereditary neoplastic syndrome; Hereditary Cancer Syndrome. Identifiers: Orphanet 140162, MedGen C0027672, MeSH D009386, MONDO:0015356.
Ataxia-telangiectasia syndrome (AT). Also called: ATAXIA-TELANGIECTASIA, COMPLEMENTATION GROUP A; ATAXIA-TELANGIECTASIA, FRESNO VARIANT; Ataxia-telangiectasia; Ataxia-telangiectasia, complementation group D; AT, COMPLEMENTATION GROUP C; LOUIS-BAR SYNDROME. Identifiers: Orphanet 100, MedGen C0004135, MONDO:0008840, OMIM 208900.

Allele frequency attached by ClinVar (database versions not stated): ExAC 0.00001; gnomAD exomes below 0.00001.
gnomAD v4.1: 1 of 1,612,684 alleles (0.000062%); highest among the groups gnomAD compares: African/African-American, 0.0013%; no homozygotes.

Submissions (6):

3billion
Classification: Pathogenic for ATM-related disorder. Last evaluated: 2025-09-10. Review status: criteria provided, single submitter. Criteria: ACMG Guidelines, 2015. Collection method: clinical testing. Allele origin: germline. Affected: yes.
Comment: The variant is observed at an extremely low frequency in the gnomAD v4.1.0 dataset (total allele frequency: <0.001%). Predicted Consequence/Location: Stop-gained (nonsense): predicted to result in a loss or disruption of normal protein function through nonsense-mediated decay (NMD) or protein truncation. Multiple pathogenic variants are reported downstream of the variant. The variant has been reported at least twice as pathogenic with clinical assertions and evidence for the classification (ClinVar ID: VCV000429069 /PMID: 31285527). Therefore, this variant is classified as Pathogenic according to the recommendation of ACMG/AMP guideline.

Ambry Genetics
Classification: Pathogenic for Hereditary cancer-predisposing syndrome. Last evaluated: 2025-02-12. Review status: criteria provided, single submitter. Criteria: Ambry Variant Classification Scheme 2023. Collection method: clinical testing. Allele origin: germline.
Comment: The p.Q284* pathogenic mutation (also known as c.850C>T), located in coding exon 6 of the ATM gene, results from a C to T substitution at nucleotide position 850. This changes the amino acid from a glutamine to a stop codon within coding exon 6. This alteration is expected to result in loss of function by premature protein truncation or nonsense-mediated mRNA decay. As such, this alteration is interpreted as a disease-causing mutation.

Myriad Genetics, Inc.
Classification: Pathogenic for Familial cancer of breast. Last evaluated: 2024-01-11. Review status: criteria provided, single submitter. Criteria: Myriad Autosomal Dominant, Autosomal Recessive and X-Linked Classification Criteria (2023). Collection method: clinical testing. Allele origin: unknown.
Comment: This variant is considered pathogenic. This variant creates a termination codon and is predicted to result in premature protein truncation.

Baylor Genetics
Classification: Likely pathogenic for Familial cancer of breast. Last evaluated: 2023-06-19. Review status: criteria provided, single submitter. Criteria: ACMG Guidelines, 2015. Collection method: clinical testing. Allele origin: unknown.

Labcorp Genetics (formerly Invitae), Labcorp
Classification: Pathogenic for Ataxia-telangiectasia syndrome. Last evaluated: 2021-12-29. Review status: criteria provided, single submitter. Criteria: Invitae Variant Classification Sherloc (09022015). Collection method: clinical testing. Allele origin: germline.
Comment: This premature translational stop signal has been observed in individual(s) with pancreatic cancer (PMID: 31285527). ClinVar contains an entry for this variant (Variation ID: 429069). For these reasons, this variant has been classified as Pathogenic. This variant is present in population databases (rs757782702, gnomAD 0.0009%). This sequence change creates a premature translational stop signal (p.Gln284*) in the ATM gene. It is expected to result in an absent or disrupted protein product. Loss-of-function variants in ATM are known to be pathogenic (PMID: 23807571, 25614872).

Color Diagnostics, LLC DBA Color Health
Classification: Pathogenic for Hereditary cancer-predisposing syndrome. Last evaluated: 2020-02-26. Review status: criteria provided, single submitter. Criteria: ACMG Guidelines, 2015. Collection method: clinical testing. Allele origin: germline.
Comment: This variant changes 1 nucleotide in exon 7 of the ATM gene, creating a premature translation stop signal. This variant is expected to result in an absent or non-functional protein product. To our knowledge, functional studies have not been performed for this variant. This variant has not been reported in individuals affected with hereditary cancer in the literature. This variant has been identified in 1/250056 chromosomes in the general population by the Genome Aggregation Database (gnomAD). Loss of ATM function is a known mechanism of disease. Based on the available evidence, this variant is classified as Pathogenic.

Literature cited by the submitters: PubMed 31285527 (cited by 3billion and Labcorp Genetics (formerly Invitae), Labcorp); PubMed 23807571 (cited by Labcorp Genetics (formerly Invitae), Labcorp); PubMed 25614872 (cited by Labcorp Genetics (formerly Invitae), Labcorp).